The following is an entry in ClinVar:

ClinVar aggregate classification (germline): Conflicting classifications of pathogenicity. Review status: criteria provided, conflicting classifications (1 of 4 stars). 4 submissions from 4 submitters: Uncertain significance (1); Likely benign (3). Last evaluated 2025-03-04.

Conditions:
Hereditary cancer-predisposing syndrome. Also called: Hereditary neoplastic syndrome; Hereditary Cancer Syndrome; Neoplastic Syndromes, Hereditary; Tumor predisposition. Identifiers: Orphanet 140162, MedGen C0027672, MeSH D009386, MONDO:0015356.

Allele frequency attached by ClinVar (database versions not stated): TOPMed below 0.00001; gnomAD 0.00001 and 0.00003; gnomAD exomes 0.00003 and 0.00004; ExAC 0.00024; 1000 Genomes Project 30x 0.00031; 1000 Genomes Project 0.00040.
gnomAD v4.1: 40 of 1,510,862 alleles (0.0026%); highest among the groups gnomAD compares: South Asian, 0.044%; no homozygotes.

Submissions (4):

Center for Genomic Medicine, Rigshospitalet, Copenhagen University Hospital
Classification: Likely benign. Last evaluated: 2025-03-04. Review status: criteria provided, single submitter. Criteria: ACMG Guidelines, 2015. Collection method: clinical testing. Allele origin: germline.

GeneDx
Classification: Likely benign. Last evaluated: 2016-03-23. Review status: criteria provided, single submitter. Criteria: GeneDx Variant Classification (06012015). Collection method: clinical testing. Allele origin: germline. Affected: yes.
Comment: This variant is considered likely benign or benign based on one or more of the following criteria: it is a conservative change, it occurs at a poorly conserved position in the protein, it is predicted to be benign by multiple in silico algorithms, and/or has population frequency not consistent with disease.

Color Diagnostics, LLC DBA Color Health
Classification: Likely benign for Hereditary cancer-predisposing syndrome. Last evaluated: 2015-12-28. Review status: criteria provided, single submitter. Criteria: ACMG Guidelines, 2015. Collection method: clinical testing. Allele origin: germline.

Ambry Genetics
Classification: Uncertain significance for Hereditary cancer-predisposing syndrome. Last evaluated: 2015-06-30. Review status: criteria provided, single submitter. Criteria: Ambry Variant Classification Scheme 2023. Collection method: clinical testing. Allele origin: germline.
Comment: The c.*11C>T alteration is located in the 3' untranslated region (3'UTR) of the STK11 gene. This alteration consists of a deletion of 1 nucleotides after the last coding exon of the STK11 gene. Based on insufficient or conflicting evidence, the clinical significance of this alteration remains unclear.

NM_000455.5(STK11):c.*11C>T

Gene: STK11 (serine/threonine kinase 11; plus strand). Cytogenetic location: 19p13.3.
Variant type: single nucleotide variant.
Coding change: c.*11C>T on transcript NM_000455.5 (MANE Select); 11 bases downstream of the stop codon, C replaced by T.
Molecular consequence: 3 prime UTR variant.
Genome position (GRCh38, 1-based): chr19:1,226,658, C>T. VCF-style: chr19-1226658-C-T. GRCh37 (hg19) VCF-style: chr19-1226657-C-T.
Identifiers: ClinVar variation 378681 (VCV000378681.6), dbSNP rs553039153, ClinGen allele CA045887.